The following is an entry in ClinVar:

NM_000548.5(TSC2):c.3449T>A (p.Leu1150Gln)

Gene: TSC2 (TSC complex subunit 2; plus strand). Cytogenetic location: 16p13.3.
Variant type: single nucleotide variant.
Coding change: c.3449T>A on transcript NM_000548.5 (MANE Select); coding-DNA position 3449, T replaced by A.
Protein change: p.Leu1150Gln; replaces leucine 1150 with glutamine.
Molecular consequence: missense variant.
Genome position (GRCh38, 1-based): chr16:2,080,216, T>A. VCF-style: chr16-2080216-T-A. GRCh37 (hg19) VCF-style: chr16-2130217-T-A.
Other names: c.3317T>A, p.Leu1106Gln (NM_001077183.3, NM_001370404.1, NM_001406665.1); c.3449T>A, p.Leu1150Gln (NM_001114382.3); c.3209T>A, p.Leu1070Gln (NM_001318827.2); c.3173T>A, p.Leu1058Gln (NM_001318829.2); c.2717T>A, p.Leu906Gln (NM_001318831.2, NM_001406687.1, NM_001406688.1); c.3350T>A, p.Leu1117Gln (NM_001318832.2); c.3320T>A, p.Leu1107Gln (NM_001363528.2, NM_001370405.1, NM_021055.3); c.3446T>A, p.Leu1149Gln (NM_001406663.1, NM_001406664.1); and 18 more; short protein forms L1058Q, L1070Q, L1100Q, L1102Q, L1113Q, L572Q, L658Q, L906Q.
Identifiers: ClinVar variation 1731529 (VCV001731529.2), dbSNP rs2544094229, ClinGen allele CA394288763.
Genomic context (GRCh38, chr16:2,080,216, plus strand): 5'-CTTCTTCAGGGGGCCATGGTCTTCGAGTTGGCGCCCTGGACGTGCCGGCCTCCCAGTTCC[T>A]GGGCAGTGCCACTTCTCCAGGACCACGGACTGCACCAGCCGCGAAACCTGAGAAGGCCTC-3'
Protein context (NP_000539.2, residues 1140-1160): GALDVPASQF[Leu1150Gln]GSATSPGPRT

ClinVar aggregate classification (germline): Uncertain significance (1 of 4 stars; one submission).

Conditions:
Hereditary cancer-predisposing syndrome. Also called: Neoplastic Syndromes, Hereditary; Tumor predisposition; Hereditary Cancer Syndrome; Hereditary neoplastic syndrome. Identifiers: Orphanet 140162, MedGen C0027672, MeSH D009386, MONDO:0015356.

Submission:

Ambry Genetics
Classification: Uncertain significance for Hereditary cancer-predisposing syndrome. Last evaluated: 2017-11-24. Review status: criteria provided, single submitter. Criteria: Ambry Variant Classification Scheme 2023. Collection method: clinical testing. Allele origin: germline.
Comment: The p.L1150Q variant (also known as c.3449T>A), located in coding exon 29 of the TSC2 gene, results from a T to A substitution at nucleotide position 3449. The leucine at codon 1150 is replaced by glutamine, an amino acid with dissimilar properties. This amino acid position is poorly conserved in available vertebrate species. In addition, the in silico prediction for this alteration is inconclusive. Since supporting evidence is limited at this time, the clinical significance of this alteration remains unclear.